The following is an entry in ClinVar:

ClinVar aggregate classification (germline): Likely benign. Review status: criteria provided, multiple submitters, no conflicts (2 of 4 stars). 2 submissions from 2 submitters: Likely benign (2). Last evaluated 2025-06-27.

Conditions:
STAT4-related disorder. Also called: STAT4-related condition.

Allele frequency attached by ClinVar (database versions not stated): gnomAD exomes below 0.00001; gnomAD 0.00003; TOPMed 0.00004.
gnomAD v4.1: 7 of 1,611,444 alleles (0.00043%); highest among the groups gnomAD compares: Admixed American, 0.0083%; no homozygotes.

Submissions (2):

Labcorp Genetics (formerly Invitae), Labcorp
Classification: Likely benign. Last evaluated: 2025-06-27. Review status: criteria provided, single submitter. Criteria: Invitae Variant Classification Sherloc (09022015). Collection method: clinical testing. Allele origin: germline.

PreventionGenetics, part of Exact Sciences
Classification: Likely benign for STAT4-related condition. Last evaluated: 2024-10-23. Review status: criteria provided, single submitter. Criteria: ACMG Guidelines, 2015. Collection method: clinical testing. Allele origin: germline.
Comment: This variant is classified as likely benign based on ACMG/AMP sequence variant interpretation guidelines (Richards et al. 2015 PMID: 25741868, with internal and published modifications).

NM_003151.4(STAT4):c.2220+10C>T

Genes: STAT4 (signal transducer and activator of transcription 4; minus strand), STAT4-AS1 (STAT4 antisense RNA 1; plus strand). Cytogenetic location: 2q32.2.
Variant type: single nucleotide variant.
Coding change: c.2220+10C>T on transcript NM_003151.4 (MANE Select); 10 bases into the intron after coding-DNA position 2220, C replaced by T.
Molecular consequence: intron variant. On other transcripts: non-coding transcript variant (1).
Genome position (GRCh38, 1-based): chr2:191,030,962, G>A on the plus strand (C>T on the coding strand, the complement: STAT4 is on the minus strand). VCF-style: chr2-191030962-G-A. GRCh37 (hg19) VCF-style: chr2-191895688-G-A.
Other names: c.2220+10C>T (NM_001243835.2, NM_003151.3).
Identifiers: ClinVar variation 1898480 (VCV001898480.6), dbSNP rs924301055, ClinGen allele CA62672698.
Genomic context (GRCh38, chr2:191,030,962, plus strand): 5'-TTGATTCACACACCACCTTTGCATCGTTGGAAACACCTTTGACCAGCAATGGAAAATAAA[G>A]GGAACATACTGCAGTTTCAATTGTTGTGGGACTCAGGTTTTCTCTCAACACCGCATACAC-3'